The following is an entry in ClinVar:

NM_006947.4(SRP72):c.220G>C (p.Val74Leu)

Gene: SRP72 (signal recognition particle 72; plus strand). Cytogenetic location: 4q12.
Variant type: single nucleotide variant.
Coding change: c.220G>C on transcript NM_006947.4 (MANE Select); coding-DNA position 220, G replaced by C.
Protein change: p.Val74Leu; replaces valine 74 with leucine.
Molecular consequence: missense variant. On other transcripts: non-coding transcript variant (1).
Genome position (GRCh38, 1-based): chr4:56,469,763, G>C. VCF-style: chr4-56469763-G-C. GRCh37 (hg19) VCF-style: chr4-57335929-G-C.
Other names: c.220G>C, p.Val74Leu (NM_001267722.2); short protein forms V74L.
Identifiers: ClinVar variation 3962145 (VCV003962145.1).

ClinVar aggregate classification (germline): Uncertain significance (1 of 4 stars; one submission).

Submission:

Ambry Genetics
Classification: Uncertain significance. Last evaluated: 2025-06-12. Review status: criteria provided, single submitter. Criteria: Ambry Variant Classification Scheme 2023. Collection method: clinical testing. Allele origin: germline.
Comment: The p.V74L variant (also known as c.220G>C), located in coding exon 2 of the SRP72 gene, results from a G to C substitution at nucleotide position 220. The valine at codon 74 is replaced by leucine, an amino acid with highly similar properties. This amino acid position is conserved. In addition, this alteration is predicted to be tolerated by in silico analysis. Based on the available evidence, the clinical significance of this variant remains unclear.